The following is an entry in ClinVar:

ClinVar aggregate classification (germline): Uncertain significance (1 of 4 stars; one submission).

Conditions:
Neuropathy, hereditary sensory and autonomic, type 2A (HSAN2A). Also called: MORVAN DISEASE; NEUROPATHY, CONGENITAL SENSORY; NEUROPATHY, HEREDITARY SENSORY RADICULAR, AUTOSOMAL RECESSIVE; NEUROPATHY, HEREDITARY SENSORY, TYPE IIA; NEUROPATHY, PROGRESSIVE SENSORY, OF CHILDREN; ACROOSTEOLYSIS, GIACCAI TYPE. Identifiers: Orphanet 970, MedGen C2752089, MONDO:0024309, OMIM 201300.
Generalized epilepsy with febrile seizures plus, type 7 (GEFSP7). Also called: GEFS+, TYPE 7. Identifiers: Orphanet 36387, MedGen C2751778, MONDO:0013470, OMIM 613863.

Allele frequency attached by ClinVar (database versions not stated): gnomAD exomes below 0.00001; ExAC 0.00001; 1000 Genomes Project 30x 0.00016; 1000 Genomes Project 0.00020.
gnomAD v4.1: 1 of 1,612,666 alleles (0.000062%); highest among the groups gnomAD compares: South Asian, 0.0011%; no homozygotes.

Submission:

Labcorp Genetics (formerly Invitae), Labcorp
Classification: Uncertain significance for Neuropathy, hereditary sensory and autonomic, type 2A; Generalized epilepsy with febrile seizures plus, type 7. Last evaluated: 2023-05-04. Review status: criteria provided, single submitter. Criteria: Invitae Variant Classification Sherloc (09022015). Collection method: clinical testing. Allele origin: germline.
Comment: In summary, the available evidence is currently insufficient to determine the role of this variant in disease. Therefore, it has been classified as a Variant of Uncertain Significance. Advanced modeling of protein sequence and biophysical properties (such as structural, functional, and spatial information, amino acid conservation, physicochemical variation, residue mobility, and thermodynamic stability) performed at Invitae indicates that this missense variant is not expected to disrupt SCN9A protein function. This variant has not been reported in the literature in individuals affected with SCN9A-related conditions. This variant is not present in population databases (gnomAD no frequency). This sequence change replaces glutamic acid, which is acidic and polar, with lysine, which is basic and polar, at codon 1128 of the SCN9A protein (p.Glu1128Lys).

NM_001365536.1(SCN9A):c.3415G>A (p.Glu1139Lys)

Genes: SCN1A-AS1 (SCN1A and SCN9A antisense RNA 1; plus strand), SCN9A (sodium voltage-gated channel alpha subunit 9; minus strand). Cytogenetic location: 2q24.3.
Variant type: single nucleotide variant.
Coding change: c.3415G>A on transcript NM_001365536.1 (MANE Select); coding-DNA position 3415, G replaced by A.
Protein change: p.Glu1139Lys; replaces glutamic acid 1139 with lysine.
Molecular consequence: missense variant. On other transcripts: non-coding transcript variant (1).
Genome position (GRCh38, 1-based): chr2:166,251,822, C>T on the plus strand (G>A on the coding strand, the complement: SCN9A is on the minus strand). VCF-style: chr2-166251822-C-T. GRCh37 (hg19) VCF-style: chr2-167108332-C-T.
Other names: c.3382G>A, p.Glu1128Lys (NM_002977.4); short protein forms E1128K, E1139K.
Identifiers: ClinVar variation 2936069 (VCV002936069.3), dbSNP rs201175615, ClinGen allele CA1944063.